The following is an entry in ClinVar:

ClinVar aggregate classification (germline): Conflicting classifications of pathogenicity. Review status: criteria provided, conflicting classifications (1 of 4 stars). 9 submissions from 5 submitters: Uncertain significance (4); Benign (1); Likely benign (4). Last evaluated 2026-01-19.

Conditions:
Autosomal recessive limb-girdle muscular dystrophy type 2J (LGMDR10). Also called: Limb-girdle muscular dystrophy, type 2J; MUSCULAR DYSTROPHY, LIMB-GIRDLE, AUTOSOMAL RECESSIVE 10. Identifiers: Orphanet 140922, MedGen C1837342, MONDO:0012127, OMIM 608807.
Dilated cardiomyopathy 1G (CMD1G). Identifiers: Orphanet 154, MedGen C1858763, MONDO:0011400, OMIM 604145.
Tibial muscular dystrophy (TMD). Also called: Tibial muscular dystrophy, tardive; UDD MYOPATHY; Udd Distal Myopathy – Tibial Muscular Dystrophy. Identifiers: Orphanet 609, MedGen C1838244, MONDO:0010870, OMIM 600334.
Early-onset myopathy with fatal cardiomyopathy (CMYO5). Also called: Salih Myopathy; CONGENITAL MYOPATHY 5 WITH CARDIOMYOPATHY. Identifiers: Orphanet 289377, MedGen C2673677, MONDO:0012714, OMIM 611705. Disease mechanism: loss of function.
Myopathy, myofibrillar, 9, with early respiratory failure (MFM9). Also called: MYOPATHY, PROXIMAL, WITH EARLY RESPIRATORY MUSCLE INVOLVEMENT; Hereditary myopathy with early respiratory failure; EDSTROM MYOPATHY; Myopathy, distal, with early respiratory failure, autosomal dominant. Identifiers: Orphanet 178464, Orphanet 34521, MedGen C1863599, MONDO:0011362, OMIM 603689.

Allele frequency attached by ClinVar (database versions not stated): gnomAD exomes 0.00002 and 0.00005; ExAC 0.00003.
gnomAD v4.1: 65 of 1,604,998 alleles (0.004%); highest among the groups gnomAD compares: Non-Finnish European, 0.0055%; no homozygotes.

Submissions (9):

Labcorp Genetics (formerly Invitae), Labcorp
Classification: Likely benign for Dilated cardiomyopathy 1G; Autosomal recessive limb-girdle muscular dystrophy type 2J. Last evaluated: 2026-01-19. Review status: criteria provided, single submitter. Criteria: Invitae Variant Classification Sherloc (09022015). Collection method: clinical testing. Allele origin: germline.

Blueprint Genetics
Classification: Likely benign. Last evaluated: 2023-05-25. Review status: criteria provided, single submitter. Criteria: ACMG Guidelines, 2015. Collection method: clinical testing. Allele origin: germline.

Illumina Laboratory Services, Illumina
Classification: Uncertain significance for Early-onset myopathy with fatal cardiomyopathy. Last evaluated: 2018-01-12. Review status: criteria provided, single submitter. Criteria: ICSL Variant Classification Criteria 13 December 2019. Collection method: clinical testing. Allele origin: germline.

Illumina Laboratory Services, Illumina
Classification: Uncertain significance for Dilated cardiomyopathy 1G. Last evaluated: 2018-01-12. Review status: criteria provided, single submitter. Criteria: ICSL Variant Classification Criteria 13 December 2019. Collection method: clinical testing. Allele origin: germline.

Illumina Laboratory Services, Illumina
Classification: Likely benign for Myopathy, myofibrillar, 9, with early respiratory failure. Last evaluated: 2018-01-12. Review status: criteria provided, single submitter. Criteria: ICSL Variant Classification Criteria 13 December 2019. Collection method: clinical testing. Allele origin: germline.
Comment: This variant was observed in the ICSL laboratory as part of a predisposition screen in an ostensibly healthy population. It had not been previously curated by ICSL or reported in the Human Gene Mutation Database (HGMD: prior to June 1st, 2018), and was therefore a candidate for classification through an automated scoring system. Utilizing variant allele frequency, disease prevalence and penetrance estimates, and inheritance mode, an automated score was calculated to assess if this variant is too frequent to cause the disease. Based on the score and internal cut-off values, a variant classified as likely benign is not then subjected to further curation. The score for this variant resulted in a classification of likely benign for this disease.

Illumina Laboratory Services, Illumina
Classification: Uncertain significance for Autosomal recessive limb-girdle muscular dystrophy type 2J. Last evaluated: 2018-01-12. Review status: criteria provided, single submitter. Criteria: ICSL Variant Classification Criteria 13 December 2019. Collection method: clinical testing. Allele origin: germline.

Illumina Laboratory Services, Illumina
Classification: Benign for Tibial muscular dystrophy. Last evaluated: 2018-01-12. Review status: criteria provided, single submitter. Criteria: ICSL Variant Classification Criteria 13 December 2019. Collection method: clinical testing. Allele origin: germline.
Comment: This variant was observed in the ICSL laboratory as part of a predisposition screen in an ostensibly healthy population. It had not been previously curated by ICSL or reported in the Human Gene Mutation Database (HGMD: prior to June 1st, 2018), and was therefore a candidate for classification through an automated scoring system. Utilizing variant allele frequency, disease prevalence and penetrance estimates, and inheritance mode, an automated score was calculated to assess if this variant is too frequent to cause the disease. Based on the score and internal cut-off values, a variant classified as benign is not then subjected to further curation. The score for this variant resulted in a classification of benign for this disease.

GeneDx
Classification: Likely benign. Last evaluated: 2017-01-13. Review status: criteria provided, single submitter. Criteria: GeneDx Variant Classification (06012015). Collection method: clinical testing. Allele origin: germline. Affected: yes.
Comment: This variant is considered likely benign or benign based on one or more of the following criteria: it is a conservative change, it occurs at a poorly conserved position in the protein, it is predicted to be benign by multiple in silico algorithms, and/or has population frequency not consistent with disease.

Eurofins Ntd Llc (ga)
Classification: Uncertain significance. Last evaluated: 2016-12-07. Review status: criteria provided, single submitter. Criteria: EGL Classification Definitions 2015. Collection method: clinical testing. Allele origin: germline. Observed: 1 variant allele, 1 heterozygote.

NM_001267550.2(TTN):c.28175-10C>T

Gene: TTN (titin; minus strand). Cytogenetic location: 2q31.2.
Variant type: single nucleotide variant.
Coding change: c.28175-10C>T on transcript NM_001267550.2 (MANE Select); 10 bases into the intron before coding-DNA position 28175, C replaced by T.
Molecular consequence: intron variant.
Genome position (GRCh38, 1-based): chr2:178,710,932, G>A on the plus strand (C>T on the coding strand, the complement: TTN is on the minus strand). VCF-style: chr2-178710932-G-A. GRCh37 (hg19) VCF-style: chr2-179575659-G-A.
Other names: c.27224-10C>T (NM_001256850.1); c.13282+27150C>T (NM_003319.4); c.13858+27150C>T (NM_133437.4); c.13657+27150C>T (NM_133432.3); c.24443-10C>T (NM_133378.4).
Identifiers: ClinVar variation 392689 (VCV000392689.18), dbSNP rs748478445, ClinGen allele CA1999641.
Genomic context (GRCh38, chr2:178,710,932, plus strand): 5'-CAGCATCCACAGGGGCAAGACGGATGTCAAAGAAGGGTGGGTTCTTCCCCTCTAATAGTA[G>A]AGCAGAAAGACAAGGTTTCAGGCTCAATATCTGGACCATGTCAGTTTACTGAAATAGAAA-3'